The following is an entry in ClinVar:

NM_004304.5(ALK):c.2249C>T (p.Thr750Ile)

Gene: ALK (ALK receptor tyrosine kinase; minus strand). Cytogenetic location: 2p23.2.
Variant type: single nucleotide variant.
Coding change: c.2249C>T on transcript NM_004304.5 (MANE Select); coding-DNA position 2249, C replaced by T.
Protein change: p.Thr750Ile; replaces threonine 750 with isoleucine.
Molecular consequence: missense variant.
Genome position (GRCh38, 1-based): chr2:29,239,786, G>A on the plus strand (C>T on the coding strand, the complement: ALK is on the minus strand). VCF-style: chr2-29239786-G-A. GRCh37 (hg19) VCF-style: chr2-29462652-G-A.
Other names: short protein forms T750I.
Identifiers: ClinVar variation 2477023 (VCV002477023.2), dbSNP rs2465270211, ClinGen allele CA346474650.

ClinVar aggregate classification (germline): Uncertain significance (1 of 4 stars; one submission).

Conditions:
Hereditary cancer-predisposing syndrome. Also called: Neoplastic Syndromes, Hereditary; Hereditary neoplastic syndrome; Tumor predisposition; Hereditary Cancer Syndrome. Identifiers: Orphanet 140162, MedGen C0027672, MeSH D009386, MONDO:0015356.

Allele frequency attached by ClinVar (database versions not stated): gnomAD exomes below 0.00001.
gnomAD v4.1: 1 of 1,613,920 alleles (0.000062%); highest among the groups gnomAD compares: Non-Finnish European, 0.000085%; no homozygotes.

Submission:

Ambry Genetics
Classification: Uncertain significance for Hereditary cancer-predisposing syndrome. Last evaluated: 2022-11-23. Review status: criteria provided, single submitter. Criteria: Ambry Variant Classification Scheme 2023. Collection method: clinical testing. Allele origin: germline.
Comment: The p.T750I variant (also known as c.2249C>T), located in coding exon 13 of the ALK gene, results from a C to T substitution at nucleotide position 2249. The threonine at codon 750 is replaced by isoleucine, an amino acid with similar properties. This amino acid position is conserved. In addition, this alteration is predicted to be tolerated by in silico analysis. Since supporting evidence is limited at this time, the clinical significance of this alteration remains unclear.